The following is an entry in ClinVar:

NM_000059.4(BRCA2):c.934T>G (p.Phe312Val)

Gene: BRCA2 (BRCA2 DNA repair associated; plus strand). Cytogenetic location: 13q13.1.
Variant type: single nucleotide variant.
Coding change: c.934T>G on transcript NM_000059.4 (MANE Select); coding-DNA position 934, T replaced by G.
Protein change: p.Phe312Val; replaces phenylalanine 312 with valine.
Molecular consequence: missense variant.
Genome position (GRCh38, 1-based): chr13:32,332,412, T>G. VCF-style: chr13-32332412-T-G. GRCh37 (hg19) VCF-style: chr13-32906549-T-G.
Other names: short protein forms F312V.
Identifiers: ClinVar variation 1520768 (VCV001520768.7), dbSNP rs2137466032, ClinGen allele CA387760783.

ClinVar aggregate classification (germline): Conflicting classifications of pathogenicity. Review status: criteria provided, conflicting classifications (1 of 4 stars). 2 submissions from 2 submitters: Uncertain significance (1); Likely benign (1). Last evaluated 2023-03-23.

Conditions:
Hereditary cancer-predisposing syndrome. Also called: Hereditary neoplastic syndrome; Hereditary Cancer Syndrome; Tumor predisposition; Neoplastic Syndromes, Hereditary. Identifiers: Orphanet 140162, MedGen C0027672, MeSH D009386, MONDO:0015356.
Hereditary breast ovarian cancer syndrome. Also called: Hereditary breast and ovarian cancer syndrome; Hereditary breast and/or ovarian cancer syndrome; BRCA1- and BRCA2-Associated Hereditary Breast and Ovarian Cancer; Hereditary breast and ovarian cancer syndrome (HBOC); Breast and ovarian cancer; Hereditary breast and ovarian cancer. Identifiers: Orphanet 145, MedGen C0677776, MeSH D061325, MONDO:0003582. Disease mechanism: loss of function.

Submissions (2):

University of Washington Department of Laboratory Medicine, University of Washington
Classification: Likely benign for Hereditary cancer-predisposing syndrome. Last evaluated: 2023-03-23. Review status: criteria provided, single submitter. Criteria: Dines et al. (Genet Med. 2020). Collection method: curation. Allele origin: germline.
Comment: Missense variant in a coldspot region where missense variants are very unlikely to be pathogenic (PMID:31911673).

BRCA2 exon 10 coldspot. Reclassification based on statistical prior probability.

Labcorp Genetics (formerly Invitae), Labcorp
Classification: Uncertain significance for Hereditary breast ovarian cancer syndrome. Last evaluated: 2021-09-23. Review status: criteria provided, single submitter. Criteria: Invitae Variant Classification Sherloc (09022015). Collection method: clinical testing. Allele origin: germline.
Comment: In summary, the available evidence is currently insufficient to determine the role of this variant in disease. Therefore, it has been classified as a Variant of Uncertain Significance. Advanced modeling of protein sequence and biophysical properties (such as structural, functional, and spatial information, amino acid conservation, physicochemical variation, residue mobility, and thermodynamic stability) performed at Invitae indicates that this missense variant is not expected to disrupt BRCA2 protein function. This variant has not been reported in the literature in individuals affected with BRCA2-related conditions. This variant is not present in population databases (ExAC no frequency). This sequence change replaces phenylalanine with valine at codon 312 of the BRCA2 protein (p.Phe312Val). The phenylalanine residue is moderately conserved and there is a small physicochemical difference between phenylalanine and valine.